The following is an entry in ClinVar:

NM_007294.4(BRCA1):c.135-2A>G

Gene: BRCA1 (BRCA1 DNA repair associated; minus strand). Cytogenetic location: 17q21.31.
Variant type: single nucleotide variant.
Coding change: c.135-2A>G on transcript NM_007294.4 (MANE Select); the canonical splice acceptor site of the intron before coding-DNA position 135, A replaced by G.
Molecular consequence: splice acceptor variant. On other transcripts: intron variant (34).
Genome position (GRCh38, 1-based): chr17:43,106,535, T>C on the plus strand (A>G on the coding strand, the complement: BRCA1 is on the minus strand). VCF-style: chr17-43106535-T-C. GRCh37 (hg19) VCF-style: chr17-41258552-T-C.
Other names: IVS4-2A>G; c.135-2A>G (NM_001407992.1, NM_001407629.1, NM_001407636.1 and 167 more transcripts); c.-54-2A>G (NM_001407917.1, NM_001407902.1, NM_001407956.1 and 58 more transcripts); c.-7-2A>G (NM_001408462.1, NM_001407724.1, NM_001407697.1 and 99 more transcripts); c.135-1579A>G (NM_001408414.1, NM_001408411.1, NM_001407655.1 and 21 more transcripts); c.-169-1579A>G (NM_001407965.1, NM_001407959.1, NM_001407962.1 and 4 more transcripts); c.-218-11675A>G (NM_001407967.1, NM_001407966.1); c.81-1579A>G (NM_001408451.1).
Identifiers: ClinVar variation 125567 (VCV000125567.25), dbSNP rs80358065, ClinGen allele CA000897.

ClinVar aggregate classification (germline): Pathogenic. Review status: criteria provided, multiple submitters, no conflicts (2 of 4 stars). 10 submissions from 10 submitters: Pathogenic (8). 2 of the submissions do not count toward it. Last evaluated 2026-01-15.

Conditions:
BRCA1-related disorder. Also called: BRCA1-related condition.
Inherited breast cancer and ovarian cancer.
Hereditary cancer-predisposing syndrome. Also called: Tumor predisposition; Hereditary neoplastic syndrome; Hereditary Cancer Syndrome; Neoplastic Syndromes, Hereditary. Identifiers: Orphanet 140162, MedGen C0027672, MeSH D009386, MONDO:0015356.
Hereditary breast ovarian cancer syndrome. Also called: Hereditary breast and/or ovarian cancer syndrome; Breast and ovarian cancer; Hereditary breast and ovarian cancer syndrome; Hereditary breast and ovarian cancer; Hereditary breast and ovarian cancer syndrome (HBOC); BRCA1- and BRCA2-Associated Hereditary Breast and Ovarian Cancer. Identifiers: Orphanet 145, MedGen C0677776, MeSH D061325, MONDO:0003582. Disease mechanism: loss of function.
Breast-ovarian cancer, familial, susceptibility to, 1 (BROVCA1). Also called: BRCA1 Hereditary Breast and Ovarian Cancer; OVARIAN CANCER, SUSCEPTIBILITY TO. Identifiers: Orphanet 145, MedGen C2676676, MONDO:0011450, OMIM 604370. Disease mechanism: loss of function.

Submissions (11):

Genetics Laboratory, Great Ormond Street Hospital NHS Foundation Trust, North Thames Genomic Laboratory Hub
Classification: Pathogenic for Inherited breast cancer and ovarian cancer. Last evaluated: 2026-01-15. Review status: criteria provided, single submitter. Criteria: CanVIG BRCA Gene Specific V1.22. Collection method: clinical testing. Allele origin: germline. Affected: yes.
Comment: PS4_moderate, PM2_moderate, PVS1_very-strong

Labcorp Genetics (formerly Invitae), Labcorp
Classification: Pathogenic for Hereditary breast ovarian cancer syndrome. Last evaluated: 2025-09-29. Review status: criteria provided, single submitter. Criteria: Invitae Variant Classification Sherloc (09022015). Collection method: clinical testing. Allele origin: germline.
Comment: This sequence change affects an acceptor splice site in intron 3 of the BRCA1 gene. RNA analysis indicates that disruption of this splice site induces altered splicing and likely results in a shortened protein product. This variant is not present in population databases (gnomAD no frequency). Disruption of this splice site has been observed in individual(s) with breast and/or ovarian cancer (PMID: 25682074, 28724667, 29176636, 30078507, 31825140). ClinVar contains an entry for this variant (Variation ID: 125567). Algorithms developed to predict the effect of variants on gene product structure and function are not available or were not evaluated for this variant. Experimental studies have shown that disruption of this splice site affects BRCA1 function (PMID: 30209399). Studies have shown that disruption of this splice site results in skipping of exon 4, but is expected to preserve the integrity of the reading-frame (internal data). This variant disrupts a region of the BRCA1 protein in which other variant(s) (p.Cys61Gly) have been determined to be pathogenic (PMID: 7894493, 9525870, 11278247, 19594371, 19770520, 22172724). This suggests that this is a clinically significant region of the protein, and that variants that disrupt it are likely to be disease-causing. For these reasons, this variant has been classified as Pathogenic.

Color Diagnostics, LLC DBA Color Health
Classification: Pathogenic for Hereditary cancer-predisposing syndrome. Last evaluated: 2024-10-31. Review status: criteria provided, single submitter. Criteria: ACMG Guidelines, 2015. Collection method: clinical testing. Allele origin: germline.
Comment: This variant causes an A to G nucleotide substitution at the -2 position of intron 3 of the BRCA1 gene. RNA studies have reported that this variant causes splicing defects expected to disrupt protein expression or result in in-frame deletion impacting the functionally important RING domain (PMID: 19471317; ClinVar SCV000608079.5). A functional study has reported that this splicing variant impacts BRCA1 function in a haploid cell proliferation assay (PMID: 30209399). This variant has been reported in several individuals and families affected with breast and ovarian cancer (PMID: 25682074, 28692638, 28724667, 29176636, 29446198, 30078507, 31159747, 31954625). And a multifactorial analysis also has reported a likelihood ratio for pathogenicity based on personal and family history of 1.34 from log(LR)=0.127201542 for one carrier (PMID: 31853058). This variant has not been identified in the general population by the Genome Aggregation Database (gnomAD). Loss of BRCA1 function is a known mechanism of disease. Based on the available evidence, this variant is classified as Pathogenic.

Women's Health and Genetics/Laboratory Corporation of America, LabCorp
Classification: Pathogenic for Hereditary breast ovarian cancer syndrome. Last evaluated: 2024-09-09. Review status: criteria provided, single submitter. Criteria: LabCorp Variant Classification Summary - May 2015. Collection method: clinical testing. Allele origin: germline.
Comment: Variant summary: BRCA1 c.135-2A>G is located in a canonical splice-site and is predicted to affect mRNA splicing resulting in a significantly altered protein due to either exon skipping, shortening, or inclusion of intronic material. Variants that disrupt the consensus splice site are a relatively common cause of aberrant splicing and loss of BRCA1 function. The variant was absent in 248196 control chromosomes. c.135-2A>G has been reported in the literature in individuals affected with Hereditary Breast And Ovarian Cancer Syndrome (example: Rebbeck_2018). At least one functional study reports experimental evidence evaluating an impact on protein function and showed a damaging effect of this variant on homology directed repair (HDR) activity (e.g. Findlay_2018). The following publications have been ascertained in the context of this evaluation (PMID: 30209399, 29446198). ClinVar contains an entry for this variant (Variation ID: 125567). Based on the evidence outlined above, the variant was classified as pathogenic.

Blueprint Genetics
Classification: Pathogenic for BRCA1-related disorders. Last evaluated: 2023-10-20. Review status: criteria provided, single submitter. Criteria: ACMG Guidelines, 2015. Collection method: clinical testing. Allele origin: germline. Affected: yes. Observed: 3 variant alleles.

Ambry Genetics
Classification: Pathogenic for Hereditary cancer-predisposing syndrome. Last evaluated: 2021-04-30. Review status: criteria provided, single submitter. Criteria: Ambry Variant Classification Scheme 2023. Collection method: clinical testing. Allele origin: germline.
Comment: The c.135-2A>G intronic pathogenic mutation (also known as IVS4-2A>G) results from an A to G substitution two nucleotides upstream from coding exon 3 in the BRCA1 gene. This alteration is present in many patients from diverse ethnic backgrounds who are affected by breast and/or ovarian cancer (Tsaousis GN et al. BMC Cancer, 2019 Jun;19:535; Arai M et al. J Hum Genet, 2018 Apr;63:447-457; Rebbeck TR et al. Hum Mutat, 2018 05;39:593-620; Li A et al. Gynecol Oncol, 2018 10;151:145-152; Sun J et al. Clin Cancer Res, 2017 Oct;23:6113-6119; Wong-Brown MW et al. Breast Cancer Res Treat, 2015 Feb;150:71-80). RNA studies have demonstrated that this alteration results in abnormal splicing in the set of samples tested, and may be a combination of deleterious exon skipping and a partial intron retention event (Ambry internal data; Caux-Moncoutier V, Eur. J. Hum. Genet. 2009 Nov; 17(11):1471-80). Based on the supporting evidence, this alteration is interpreted as a disease-causing mutation.

GeneKor MSA
Classification: Pathogenic. Last evaluated: 2020-01-01. Review status: criteria provided, single submitter. Criteria: ACMG Guidelines, 2015. Collection method: clinical testing. Allele origin: germline.
Comment: This variation occurs 2 nucleotides before exon 5 of the BRCA1 gene. This position is highly conserved in the human and other genomes and is crucial in mRNA processing. This mutation is expected to result in incorrect splicing, alteration in the reading frame and a truncated protein. This variant is not listed in population databases (ExAC, 1000 genomes) and the mutation database ClinVar contains an entry for this variant (Variation ID: 125567).

Consortium of Investigators of Modifiers of BRCA1/2 (CIMBA), c/o University of Cambridge
Classification: Pathogenic for Breast-ovarian cancer, familial, susceptibility to, 1. Last evaluated: 2015-10-02. Review status: criteria provided, single submitter. Criteria: CIMBA Mutation Classification guidelines May 2016. Collection method: clinical testing. Allele origin: germline.

Breast Cancer Information Core (BIC) (BRCA1)
Classification: Pathogenic for Breast-ovarian cancer, familial 1. Last evaluated: 2004-11-25. Review status: no assertion criteria provided. Collection method: clinical testing. Allele origin: germline. Affected: yes. Observed: 1 variant allele. Not counted in ClinVar's aggregate classification.

Brotman Baty Institute, University of Washington
No classification provided (evidence only). Condition: Breast-ovarian cancer, familial 1. Review status: no classification provided. Collection method: in vitro. Allele origin: not applicable. Functional consequence: functionally_abnormal. Not counted in ClinVar's aggregate classification.
ClinVar note: "not provided" was previously submitted as the classification for the variant. However, the classification appeared to be based only on an observation of functional data so it was converted to no classification on 2025-07-30.

Department of Pathology and Laboratory Medicine, Sinai Health System
Classification: Pathogenic. Review status: no assertion criteria provided. Collection method: clinical testing. Allele origin: unknown. Affected: yes. Study: The Canadian Open Genetics Repository (COGR). Not counted in ClinVar's aggregate classification.
Comment: The c.135-2A>G variant was not identified in the literature but was identified in the BIC database (1x) as clinically important. This variant is predicted to cause abnormal splicing because the nucleotide substitution occurs in the -2 position of the splice consensus sequence. In addition, in-silico or computational prediction software (SpliceSiteFinder, MaxEntScan, NNSPLICE, GeneSplicer, HumanSpliceFinder) predicts abolishment of the consensus splice site in 5 of 5 different programs. In summary, this splice site variant in the BRCA1 gene is the type of variant expected to cause hereditary breast and ovarian cancer and is classified as pathogenic.

Literature cited by the submitters: PubMed 25682074 (cited by 3 submitters); PubMed 28724667 (cited by 3 submitters); PubMed 29176636 (cited by 3 submitters); PubMed 30078507 (cited by 3 submitters); PubMed 31825140 (cited by Labcorp Genetics (formerly Invitae), Labcorp); PubMed 30209399 (cited by 4 submitters); PubMed 7894493 (cited by Labcorp Genetics (formerly Invitae), Labcorp); PubMed 9525870 (cited by Labcorp Genetics (formerly Invitae), Labcorp); PubMed 11278247 (cited by Labcorp Genetics (formerly Invitae), Labcorp); PubMed 19594371 (cited by Labcorp Genetics (formerly Invitae), Labcorp); PubMed 19770520 (cited by Labcorp Genetics (formerly Invitae), Labcorp); PubMed 22172724 (cited by Labcorp Genetics (formerly Invitae), Labcorp); PubMed 19471317 (cited by Color Diagnostics, LLC DBA Color Health and Ambry Genetics); PubMed 28692638 (cited by Color Diagnostics, LLC DBA Color Health); PubMed 29446198 (cited by 3 submitters); PubMed 31159747 (cited by Color Diagnostics, LLC DBA Color Health and Ambry Genetics); PubMed 31853058 (cited by Color Diagnostics, LLC DBA Color Health); PubMed 31954625 (cited by Color Diagnostics, LLC DBA Color Health and Ambry Genetics); PubMed 30702160 (cited by Ambry Genetics).